The following is an entry in ClinVar:

ClinVar aggregate classification (germline): Uncertain significance (1 of 4 stars; one submission).

Conditions:
Hereditary cancer-predisposing syndrome. Also called: Neoplastic Syndromes, Hereditary; Tumor predisposition; Hereditary Cancer Syndrome; Hereditary neoplastic syndrome. Identifiers: Orphanet 140162, MedGen C0027672, MeSH D009386, MONDO:0015356.

Submission:

Ambry Genetics
Classification: Uncertain significance for Hereditary cancer-predisposing syndrome. Last evaluated: 2026-04-20. Review status: criteria provided, single submitter. Criteria: Ambry Variant Classification Scheme 2023. Collection method: clinical testing. Allele origin: germline.
Comment: The p.T799I variant (also known as c.2396C>T), located in coding exon 5 of the PALB2 gene, results from a C to T substitution at nucleotide position 2396. The threonine at codon 799 is replaced by isoleucine, an amino acid with similar properties. This amino acid position is conserved. In addition, this alteration is predicted to be tolerated by in silico analysis. Based on the available evidence, the clinical significance of this variant remains unclear.

NM_024675.4(PALB2):c.2396C>T (p.Thr799Ile)

Gene: PALB2 (partner and localizer of BRCA2; minus strand). Cytogenetic location: 16p12.2.
Variant type: single nucleotide variant.
Coding change: c.2396C>T on transcript NM_024675.4 (MANE Select); coding-DNA position 2396, C replaced by T.
Protein change: p.Thr799Ile; replaces threonine 799 with isoleucine.
Molecular consequence: missense variant. On other transcripts: intron variant (1).
Genome position (GRCh38, 1-based): chr16:23,629,758, G>A on the plus strand (C>T on the coding strand, the complement: PALB2 is on the minus strand). VCF-style: chr16-23629758-G-A. GRCh37 (hg19) VCF-style: chr16-23641079-G-A.
Other names: c.2336C>T, p.Thr779Ile (NM_001407296.1); c.2396C>T, p.Thr799Ile (NM_001407297.1, NM_001407298.1, NM_001407299.1 and 3 more transcripts); c.1511C>T, p.Thr504Ile (NM_001407304.1, NM_001407305.1, NM_001407306.1 and 5 more transcripts); c.608C>T, p.Thr203Ile (NM_001407312.1, NM_001407313.1); c.49-483C>T (NM_001407314.1); short protein forms T203I, T504I, T779I, T799I.
Identifiers: ClinVar variation 4861487 (VCV004861487.1).